The following is an entry in ClinVar:

NM_001129.5(AEBP1):c.3400GAG[2] (p.Glu1136del)

Gene: AEBP1 (AE binding protein 1; plus strand). Cytogenetic location: 7p13.
Variant type: Microsatellite.
Coding change: c.3400GAG[2] on transcript NM_001129.5 (MANE Select); two copies in a row of the 3-base unit GAG starting at c.3400; the reference has three copies in a row; one copy, 3 bases deleted.
Protein change: p.Glu1136del; deletes glutamic acid 1136.
Molecular consequence: inframe deletion.
Genome position (GRCh38, 1-based): chr7:44,114,190-44,114,192, GAG deleted; deleting any 3 consecutive bases within chr7:44,114,184-44,114,192 gives the same sequence; the position shown is the placement nearest the transcript's 3' end. VCF-style (leftmost placement, unchanged base first): chr7-44114183-AGAG-A. GRCh37 (hg19) VCF-style: chr7-44153782-AGAG-A.
Other names: c.3406_3408delGAG (NM_001129.5); short protein forms E1136del.
Identifiers: ClinVar variation 1398028 (VCV001398028.7), dbSNP rs755922842, ClinGen allele CA4238493.
Genomic context (GRCh38, chr7:44,114,183, plus strand): 5'-GGAGCCTGAGTTTGAGACCCAGCTGGAACCCGAGTTTGAGGAAGAGGAGGAGGAGGAGAA[AGAG>A]GAGGAGATAGCCACTGGCCAGGCATTCCCCTTCACAACAGTAGAGACCTACACAGTGAAC-3'

ClinVar aggregate classification (germline): Uncertain significance. Review status: criteria provided, multiple submitters, no conflicts (2 of 4 stars). 2 submissions from 2 submitters: Uncertain significance (2). Last evaluated 2026-06-29.

Submissions (2):

Women's Health and Genetics/Laboratory Corporation of America, LabCorp
Classification: Uncertain significance. Last evaluated: 2026-06-29. Review status: criteria provided, single submitter. Criteria: LabCorp Variant Classification Summary - May 2015. Collection method: clinical testing. Allele origin: germline.
Comment: Variant summary: AEBP1 c.3406_3408delGAG (p.Glu1136del) results in an in-frame deletion that is predicted to remove one amino acids from the encoded protein. The variant allele was found at a frequency of 8e-06 in 251244 control chromosomes. The available data on variant occurrences in the general population are insufficient to allow any conclusion about variant significance. To our knowledge, no occurrence of c.3406_3408delGAG in individuals affected with AEBP1-related conditions and no experimental evidence demonstrating its impact on protein function have been reported. ClinVar contains an entry for this variant (Variation ID: 1398028). Based on the evidence outlined above, the variant was classified as uncertain significance.

Labcorp Genetics (formerly Invitae), Labcorp
Classification: Uncertain significance. Last evaluated: 2021-12-27. Review status: criteria provided, single submitter. Criteria: Invitae Variant Classification Sherloc (09022015). Collection method: clinical testing. Allele origin: germline.
Comment: This variant, c.3406_3408del, results in the deletion of 1 amino acid(s) of the AEBP1 protein (p.Glu1136del), but otherwise preserves the integrity of the reading frame. This variant is present in population databases (rs755922842, gnomAD 0.005%). This variant has not been reported in the literature in individuals affected with AEBP1-related conditions. Experimental studies and prediction algorithms are not available or were not evaluated, and the functional significance of this variant is currently unknown. In summary, the available evidence is currently insufficient to determine the role of this variant in disease. Therefore, it has been classified as a Variant of Uncertain Significance.